The following is an entry in ClinVar:

NM_006206.6(PDGFRA):c.327G>T (p.Glu109Asp)

Gene: PDGFRA (platelet derived growth factor receptor alpha; plus strand). Cytogenetic location: 4q12.
Variant type: single nucleotide variant.
Coding change: c.327G>T on transcript NM_006206.6 (MANE Select); coding-DNA position 327, G replaced by T.
Protein change: p.Glu109Asp; replaces glutamic acid 109 with aspartic acid.
Molecular consequence: missense variant.
Genome position (GRCh38, 1-based): chr4:54,261,372, G>T. VCF-style: chr4-54261372-G-T. GRCh37 (hg19) VCF-style: chr4-55127539-G-T.
Other names: c.327G>T, p.Glu109Asp (NM_001347827.2, NM_001347829.2); c.402G>T, p.Glu134Asp (NM_001347828.2); c.366G>T, p.Glu122Asp (NM_001347830.2); short protein forms E134D, E109D, E122D.
Identifiers: ClinVar variation 823409 (VCV000823409.4), dbSNP rs1577705804, ClinGen allele CA356888969.
Genomic context (GRCh38, chr4:54,261,372, plus strand): 5'-TGCCTCGGCGGCCCACACAGGGTTGTACACTTGCTATTACAACCACACTCAGACAGAAGA[G>T]AATGAGCTTGAAGGCAGGCACATTTACATCTATGTGCCAGGTGAGTTGGCTGGGTCTCCA-3'
Protein context (NP_006197.1, residues 99-119): TCYYNHTQTE[Glu109Asp]NELEGRHIYI

ClinVar aggregate classification (germline): Uncertain significance (1 of 4 stars; one submission).

Conditions:
Hereditary cancer-predisposing syndrome. Also called: Tumor predisposition; Hereditary Cancer Syndrome; Neoplastic Syndromes, Hereditary; Hereditary neoplastic syndrome. Identifiers: Orphanet 140162, MedGen C0027672, MeSH D009386, MONDO:0015356.

gnomAD v4.1: 1 of 1,614,116 alleles (0.000062%); highest among the groups gnomAD compares: Non-Finnish European, 0.000085%; no homozygotes.

Submission:

Ambry Genetics
Classification: Uncertain significance for Hereditary cancer-predisposing syndrome. Last evaluated: 2018-10-20. Review status: criteria provided, single submitter. Criteria: Ambry Variant Classification Scheme 2023. Collection method: clinical testing. Allele origin: germline.
Comment: The p.E109D variant (also known as c.327G>T), located in coding exon 2 of the PDGFRA gene, results from a G to T substitution at nucleotide position 327. The glutamic acid at codon 109 is replaced by aspartic acid, an amino acid with highly similar properties. This amino acid position is poorly conserved in available vertebrate species. In addition, this alteration is predicted to be tolerated by in silico analysis. Since supporting evidence is limited at this time, the clinical significance of this alteration remains unclear.